The following is an entry in ClinVar:

ClinVar aggregate classification (germline): Benign. Review status: criteria provided, single submitter (1 of 4 stars). 2 submissions from 2 submitters: Benign (1). 1 of the submissions does not count toward it. Last evaluated 2024-12-01.

Conditions:
EPPK1-related disorder. Also called: EPPK1-related condition.

Allele frequency attached by ClinVar (database versions not stated): 1000 Genomes Project 0.00639; 1000 Genomes Project 30x 0.00687; TOPMed 0.01244; ESP Exome Variant Server 0.01508.
gnomAD v4.1: 30,044 of 1,613,116 alleles (1.9%); highest among the groups gnomAD compares: Non-Finnish European, 2.2%; 314 homozygotes.

Submissions (2):

CeGaT Center for Human Genetics Tuebingen
Classification: Benign. Last evaluated: 2024-12-01. Review status: criteria provided, single submitter. Criteria: CeGaT Center For Human Genetics Tuebingen Variant Classification Criteria Version 2. Collection method: clinical testing. Allele origin: germline. Affected: yes. Observed: 1 variant allele.
Comment: EPPK1: BP4, BS1, BS2

PreventionGenetics, part of Exact Sciences
Classification: Likely benign for EPPK1-related condition. Last evaluated: 2021-10-26. Review status: no assertion criteria provided. Collection method: clinical testing. Allele origin: germline. Not counted in ClinVar's aggregate classification.
Comment: This variant is classified as likely benign based on ACMG/AMP sequence variant interpretation guidelines (Richards et al. 2015 PMID: 25741868, with internal and published modifications).

NM_031308.4(EPPK1):c.5009A>G (p.Asp1670Gly)

Gene: EPPK1 (epiplakin 1; minus strand). Cytogenetic location: 8q24.3.
Variant type: single nucleotide variant.
Coding change: c.5009A>G on transcript NM_031308.4 (MANE Select); coding-DNA position 5009, A replaced by G.
Protein change: p.Asp1670Gly; replaces aspartic acid 1670 with glycine.
Molecular consequence: missense variant.
Genome position (GRCh38, 1-based): chr8:143,868,245, T>C on the plus strand (A>G on the coding strand, the complement: EPPK1 is on the minus strand). VCF-style: chr8-143868245-T-C. GRCh37 (hg19) VCF-style: chr8-144942413-T-C.
Other names: short protein forms D1670G.
Identifiers: ClinVar variation 3035868 (VCV003035868.15), dbSNP rs201641573, ClinGen allele CA4922298.